The following is an entry in ClinVar:

ClinVar aggregate classification (germline): Uncertain significance. Review status: criteria provided, multiple submitters, no conflicts (2 of 4 stars). 2 submissions from 2 submitters: Uncertain significance (2). Last evaluated 2023-08-29.

Conditions:
Hereditary cancer-predisposing syndrome. Also called: Hereditary Cancer Syndrome; Tumor predisposition; Hereditary neoplastic syndrome; Neoplastic Syndromes, Hereditary. Identifiers: Orphanet 140162, MedGen C0027672, MeSH D009386, MONDO:0015356.
Familial cancer of breast. Also called: hereditary breast carcinoma; Hereditary breast cancer; BREAST CANCER, FAMILIAL. Identifiers: Orphanet 227535, MedGen C0346153, MONDO:0016419, OMIM 114480. Disease mechanism: loss of function.

Submissions (2):

Ambry Genetics
Classification: Uncertain significance for Hereditary cancer-predisposing syndrome. Last evaluated: 2023-08-29. Review status: criteria provided, single submitter. Criteria: Ambry Variant Classification Scheme 2023. Collection method: clinical testing. Allele origin: germline.
Comment: The p.I366F variant (also known as c.1096A>T) is located in coding exon 10 of the CHEK2 gene. The isoleucine at codon 366 is replaced by phenylalanine, an amino acid with highly similar properties. This change occurs in the first base pair of coding exon 10. This amino acid position is well conserved in available vertebrate species. In addition, the in silico prediction for this alteration is inconclusive. Since supporting evidence is limited at this time, the clinical significance of this alteration remains unclear.

Labcorp Genetics (formerly Invitae), Labcorp
Classification: Uncertain significance for Familial cancer of breast. Last evaluated: 2021-12-08. Review status: criteria provided, single submitter. Criteria: Invitae Variant Classification Sherloc (09022015). Collection method: clinical testing. Allele origin: germline.
Comment: This variant is not present in population databases (gnomAD no frequency). This sequence change replaces isoleucine, which is neutral and non-polar, with phenylalanine, which is neutral and non-polar, at codon 366 of the CHEK2 protein (p.Ile366Phe). This variant has not been reported in the literature in individuals affected with CHEK2-related conditions. ClinVar contains an entry for this variant (Variation ID: 645007). Algorithms developed to predict the effect of missense changes on protein structure and function are either unavailable or do not agree on the potential impact of this missense change (SIFT: "Deleterious"; PolyPhen-2: "Probably Damaging"; Align-GVGD: "Class C0"). In summary, the available evidence is currently insufficient to determine the role of this variant in disease. Therefore, it has been classified as a Variant of Uncertain Significance.

NM_007194.4(CHEK2):c.1096A>T (p.Ile366Phe)

Gene: CHEK2 (checkpoint kinase 2; minus strand). Cytogenetic location: 22q12.1.
Variant type: single nucleotide variant.
Coding change: c.1096A>T on transcript NM_007194.4 (MANE Select); coding-DNA position 1096, A replaced by T.
Protein change: p.Ile366Phe; replaces isoleucine 366 with phenylalanine.
Molecular consequence: missense variant.
Genome position (GRCh38, 1-based): chr22:28,695,873, T>A on the plus strand (A>T on the coding strand, the complement: CHEK2 is on the minus strand). VCF-style: chr22-28695873-T-A. GRCh37 (hg19) VCF-style: chr22-29091861-T-A.
Other names: c.1225A>T, p.Ile409Phe (NM_001005735.3); c.433A>T, p.Ile145Phe (NM_001257387.3); c.895A>T, p.Ile299Phe (NM_001349956.3); c.1009A>T, p.Ile337Phe (NM_145862.3); short protein forms I409F, I299F, I337F, I145F, I366F.
Identifiers: ClinVar variation 645007 (VCV000645007.10), dbSNP rs1601723767, ClinGen allele CA411097237.